The following is an entry in ClinVar:

NM_001323289.2(CDKL5):c.2376+4dup

Gene: CDKL5 (cyclin dependent kinase like 5; plus strand). Cytogenetic location: Xp22.13.
Variant type: Duplication.
Coding change: c.2376+4dup on transcript NM_001323289.2 (MANE Select); 4 bases into the intron after coding-DNA position 2376, one base duplicated (A; older notation c.2376+4dupA).
Molecular consequence: intron variant.
Genome position (GRCh38, 1-based): chrX:18,619,970, A duplicated; the last of 2 consecutive A bases (chrX:18,619,969-18,619,970); duplicating either gives the same sequence. VCF-style (leftmost placement, unchanged base first): chrX-18619968-T-TA. GRCh37 (hg19) VCF-style: chrX-18638088-T-TA.
Other names: c.2376+4dup (NM_003159.3, NM_001037343.2).
Identifiers: ClinVar variation 858055 (VCV000858055.3), dbSNP rs34335533, ClinGen allele CA327007701.

ClinVar aggregate classification (germline): Uncertain significance (1 of 4 stars; one submission).

Conditions:
Developmental and epileptic encephalopathy, 2 (DEE2). Also called: INFANTILE SPASM SYNDROME, X-LINKED 2; CDKL5 deficiency disorder. Identifiers: Orphanet 1934, Orphanet 3451, Orphanet 505652, MedGen C4750718, MONDO:0010396, OMIM 300672.
Angelman syndrome-like. Identifiers: MedGen CN128785.

Submission:

Labcorp Genetics (formerly Invitae), Labcorp
Classification: Uncertain significance for Developmental and epileptic encephalopathy, 2; Angelman syndrome-like. Last evaluated: 2019-11-20. Review status: criteria provided, single submitter. Criteria: Invitae Variant Classification Sherloc (09022015). Collection method: clinical testing. Allele origin: germline.
Comment: This sequence change falls in intron 16 of the CDKL5 gene. It does not directly change the encoded amino acid sequence of the CDKL5 protein, but it affects a nucleotide within the consensus splice site of the intron. This variant is not present in population databases (ExAC no frequency). This variant has not been reported in the literature in individuals with CDKL5-related conditions. Nucleotide substitutions within the consensus splice site are a relatively common cause of aberrant splicing (PMID: 17576681, 9536098). Algorithms developed to predict the effect of sequence changes on RNA splicing suggest that this variant may disrupt the consensus splice site, but this prediction has not been confirmed by published transcriptional studies. In summary, the available evidence is currently insufficient to determine the role of this variant in disease. Therefore, it has been classified as a Variant of Uncertain Significance.

Literature cited by the submitters: PubMed 17576681; PubMed 9536098.